The following is an entry in ClinVar:

NM_001849.4(COL6A2):c.2971G>A (p.Gly991Ser)

Gene: COL6A2 (collagen type VI alpha 2 chain; plus strand). Cytogenetic location: 21q22.3.
Variant type: single nucleotide variant.
Coding change: c.2971G>A on transcript NM_001849.4 (MANE Select); coding-DNA position 2971, G replaced by A.
Protein change: p.Gly991Ser; replaces glycine 991 with serine.
Molecular consequence: missense variant.
Genome position (GRCh38, 1-based): chr21:46,132,463, G>A. VCF-style: chr21-46132463-G-A. GRCh37 (hg19) VCF-style: chr21-47552377-G-A.
Other names: short protein forms G991S.
Identifiers: ClinVar variation 2150471 (VCV002150471.5), dbSNP rs769931658, ClinGen allele CA10073118.

ClinVar aggregate classification (germline): Uncertain significance. Review status: criteria provided, multiple submitters, no conflicts (2 of 4 stars). 2 submissions from 2 submitters: Uncertain significance (2). Last evaluated 2022-08-11.

Conditions:
Inborn genetic diseases. Identifiers: MedGen C0950123, MeSH D030342.
Bethlem myopathy 1A. Also called: Bethlem Muscular Dystrophy; Bethlem myopathy 1; MYOPATHY, BENIGN CONGENITAL, WITH CONTRACTURES. Identifiers: Orphanet 610, MedGen CN029274, MONDO:0024530, OMIM 158810.

Allele frequency attached by ClinVar (database versions not stated): ExAC 0.00001.
gnomAD v4.1: 6 of 1,606,732 alleles (0.00037%); highest among the groups gnomAD compares: Non-Finnish European, 0.00051%; no homozygotes.

Submissions (2):

Ambry Genetics
Classification: Uncertain significance for Inborn genetic diseases. Last evaluated: 2022-08-11. Review status: criteria provided, single submitter. Criteria: Ambry Variant Classification Scheme 2023. Collection method: clinical testing. Allele origin: germline.

Labcorp Genetics (formerly Invitae), Labcorp
Classification: Uncertain significance for Bethlem myopathy 1A. Last evaluated: 2022-03-19. Review status: criteria provided, single submitter. Criteria: Invitae Variant Classification Sherloc (09022015). Collection method: clinical testing. Allele origin: germline.
Comment: The frequency data for this variant in the population databases is considered unreliable, as metrics indicate poor data quality at this position in the gnomAD database. This sequence change replaces glycine, which is neutral and non-polar, with serine, which is neutral and polar, at codon 991 of the COL6A2 protein (p.Gly991Ser). This variant has not been reported in the literature in individuals affected with COL6A2-related conditions. In summary, the available evidence is currently insufficient to determine the role of this variant in disease. Therefore, it has been classified as a Variant of Uncertain Significance. Advanced modeling of protein sequence and biophysical properties (such as structural, functional, and spatial information, amino acid conservation, physicochemical variation, residue mobility, and thermodynamic stability) performed at Invitae indicates that this missense variant is not expected to disrupt COL6A2 protein function.